The following is an entry in ClinVar:

ClinVar aggregate classification (germline): Uncertain significance. Review status: criteria provided, multiple submitters, no conflicts (2 of 4 stars). 2 submissions from 2 submitters: Uncertain significance (2). Last evaluated 2022-09-21.

Conditions:
Cardiovascular phenotype. Identifiers: MedGen CN230736.

Submissions (2):

Ambry Genetics
Classification: Uncertain significance for Cardiovascular phenotype. Last evaluated: 2022-09-21. Review status: criteria provided, single submitter. Criteria: Ambry Variant Classification Scheme 2023. Collection method: clinical testing. Allele origin: germline.
Comment: The p.T3320I variant (also known as c.9959C>T), located in coding exon 13 of the ALMS1 gene, results from a C to T substitution at nucleotide position 9959. The threonine at codon 3320 is replaced by isoleucine, an amino acid with similar properties. This amino acid position is well conserved in available vertebrate species. In addition, this alteration is predicted to be deleterious by in silico analysis. Since supporting evidence is limited at this time, the clinical significance of this alteration remains unclear.

GeneDx
Classification: Uncertain significance. Last evaluated: 2020-01-28. Review status: criteria provided, single submitter. Criteria: GeneDx Variant Classification Process June 2021. Collection method: clinical testing. Allele origin: germline. Affected: yes.
Comment: Not observed in large population cohorts (Lek et al., 2016); In silico analysis, which includes protein predictors and evolutionary conservation, supports a deleterious effect; Has not been previously published as pathogenic or benign to our knowledge

NM_001378454.1(ALMS1):c.9956C>T (p.Thr3319Ile)

Gene: ALMS1 (ALMS1 centrosome and basal body associated protein; plus strand). Cytogenetic location: 2p13.1.
Variant type: single nucleotide variant.
Coding change: c.9956C>T on transcript NM_001378454.1 (MANE Select); coding-DNA position 9956, C replaced by T.
Protein change: p.Thr3319Ile; replaces threonine 3319 with isoleucine.
Molecular consequence: missense variant.
Genome position (GRCh38, 1-based): chr2:73,550,315, C>T. VCF-style: chr2-73550315-C-T. GRCh37 (hg19) VCF-style: chr2-73777442-C-T.
Other names: c.9959C>T, p.Thr3320Ile (NM_015120.4); short protein forms T3319I, T3320I.
Identifiers: ClinVar variation 1315129 (VCV001315129.4), dbSNP rs2104034941, ClinGen allele CA347271598.
Genomic context (GRCh38, chr2:73,550,315, plus strand): 5'-GTTTTTCTGTAGGATCCAATGATGCCATTGCTCCAGACTTCCCAGCTCAGGTGCTAGGCA[C>T]AAGAGATGATGACCTCTCAGCCACTGTTAACATTAAACATAAAGAAGGAATCTACAGTAA-3'
Protein context (NP_001365383.1, residues 3309-3329): APDFPAQVLG[Thr3319Ile]RDDDLSATVN